The following is an entry in ClinVar:

NM_005269.3(GLI1):c.1214G>A (p.Arg405Gln)

Gene: GLI1 (GLI family zinc finger 1; plus strand). Cytogenetic location: 12q13.3.
Variant type: single nucleotide variant.
Coding change: c.1214G>A on transcript NM_005269.3 (MANE Select); coding-DNA position 1214, G replaced by A.
Protein change: p.Arg405Gln; replaces arginine 405 with glutamine.
Molecular consequence: missense variant.
Genome position (GRCh38, 1-based): chr12:57,468,130, G>A. VCF-style: chr12-57468130-G-A. GRCh37 (hg19) VCF-style: chr12-57861913-G-A.
Other names: c.830G>A, p.Arg277Gln (NM_001160045.2); c.1091G>A, p.Arg364Gln (NM_001167609.2); short protein forms R364Q, R277Q, R405Q.
Identifiers: ClinVar variation 790117 (VCV000790117.7), dbSNP rs114543757, ClinGen allele CA6648751.
Genomic context (GRCh38, chr12:57,468,130, plus strand): 5'-CAGTGCATGGTCCTGACGCCCATGTGACCAAACGGCACCGTGGGGATGGCCCCCTGCCTC[G>A]GGCACCATCCATTTCTACAGTGGAGCCCAAGAGGGAGCGGGAAGGAGGTCCCATCAGGGA-3'
Protein context (NP_005260.1, residues 395-415): KRHRGDGPLP[Arg405Gln]APSISTVEPK

ClinVar aggregate classification (germline): Benign. Review status: criteria provided, multiple submitters, no conflicts (2 of 4 stars). 3 submissions from 3 submitters: Benign (2). 1 of the submissions does not count toward it. Last evaluated 2019-12-31.

Conditions:
GLI1-related disorder. Also called: GLI1-related condition.

Allele frequency attached by ClinVar (database versions not stated): gnomAD exomes 0.00242; ExAC 0.00291; gnomAD 0.00870 and 0.00946; ESP Exome Variant Server 0.00946; TOPMed 0.00979; 1000 Genomes Project 30x 0.01031; 1000 Genomes Project 0.01038.

Submissions (3):

Labcorp Genetics (formerly Invitae), Labcorp
Classification: Benign. Last evaluated: 2019-12-31. Review status: criteria provided, single submitter. Criteria: Invitae Variant Classification Sherloc (09022015). Collection method: clinical testing. Allele origin: germline.

Breakthrough Genomics
Classification: Benign. Review status: criteria provided, single submitter. Criteria: ACMG Guidelines, 2015. Collection method: not provided. Allele origin: germline. Inheritance: Autosomal recessive inheritance. Affected: yes.

PreventionGenetics, part of Exact Sciences
Classification: Benign for GLI1-related condition. Last evaluated: 2019-03-12. Review status: no assertion criteria provided. Collection method: clinical testing. Allele origin: germline. Not counted in ClinVar's aggregate classification.
Comment: This variant is classified as benign based on ACMG/AMP sequence variant interpretation guidelines (Richards et al. 2015 PMID: 25741868, with internal and published modifications).